The following is an entry in ClinVar:

NM_130466.4(UBE3B):c.320T>C (p.Met107Thr)

Gene: UBE3B (ubiquitin protein ligase E3B; plus strand). Cytogenetic location: 12q24.11.
Variant type: single nucleotide variant.
Coding change: c.320T>C on transcript NM_130466.4 (MANE Select); coding-DNA position 320, T replaced by C.
Protein change: p.Met107Thr; replaces methionine 107 with threonine.
Molecular consequence: missense variant.
Genome position (GRCh38, 1-based): chr12:109,486,049, T>C. VCF-style: chr12-109486049-T-C. GRCh37 (hg19) VCF-style: chr12-109923854-T-C.
Other names: c.320T>C, p.Met107Thr (NM_001270449.2, NM_001270450.2, NM_001270451.2 and 1 more transcripts); short protein forms M107T.
Identifiers: ClinVar variation 2158818 (VCV002158818.4), dbSNP rs767814601, ClinGen allele CA6777446.

ClinVar aggregate classification (germline): Uncertain significance (1 of 4 stars; one submission).

Allele frequency attached by ClinVar (database versions not stated): TOPMed 0.00001; gnomAD exomes 0.00002; ExAC 0.00009.

Submission:

Labcorp Genetics (formerly Invitae), Labcorp
Classification: Uncertain significance. Last evaluated: 2022-05-04. Review status: criteria provided, single submitter. Criteria: Invitae Variant Classification Sherloc (09022015). Collection method: clinical testing. Allele origin: germline.
Comment: In summary, the available evidence is currently insufficient to determine the role of this variant in disease. Therefore, it has been classified as a Variant of Uncertain Significance. Algorithms developed to predict the effect of missense changes on protein structure and function are either unavailable or do not agree on the potential impact of this missense change (SIFT: "Deleterious"; PolyPhen-2: "Benign"; Align-GVGD: "Class C55"). This variant has not been reported in the literature in individuals affected with UBE3B-related conditions. This variant is present in population databases (rs767814601, gnomAD 0.003%). This sequence change replaces methionine, which is neutral and non-polar, with threonine, which is neutral and polar, at codon 107 of the UBE3B protein (p.Met107Thr).